The following is an entry in ClinVar:

ClinVar aggregate classification (germline): Uncertain significance (1 of 4 stars; one submission).

Submission:

GeneDx
Classification: Uncertain significance. Last evaluated: 2026-01-26. Review status: criteria provided, single submitter. Criteria: GeneDx Variant Classification Process June 2021. Collection method: clinical testing. Allele origin: germline.
Comment: Not observed at significant frequency in large population cohorts (gnomAD); In silico analysis supports that this missense variant has a deleterious effect on protein structure/function; Has not been previously published as pathogenic or benign to our knowledge

NM_000130.5(F5):c.6658G>C (p.Gly2220Arg)

Gene: F5 (coagulation factor V; minus strand). Cytogenetic location: 1q24.2.
Variant type: single nucleotide variant.
Coding change: c.6658G>C on transcript NM_000130.5 (MANE Select); coding-DNA position 6658, G replaced by C.
Protein change: p.Gly2220Arg; replaces glycine 2220 with arginine.
Molecular consequence: missense variant.
Genome position (GRCh38, 1-based): chr1:169,514,330, C>G on the plus strand (G>C on the coding strand, the complement: F5 is on the minus strand). VCF-style: chr1-169514330-C-G. GRCh37 (hg19) VCF-style: chr1-169483568-C-G.
Other names: short protein forms G2220R.
Identifiers: ClinVar variation 3906648 (VCV003906648.2).
Genomic context (GRCh38, chr1:169,514,330, plus strand): 5'-AGGTCTTAAAGAGTCTCTTCCAGGGGTTTTTGAATGTTCAATTCTAGTAAATATCACAGC[C>G]AAAGAGTTCCAGGCGAAGTGCAATACTTTGATTCCATGTTTTAGGAATGACACGGATAAA-3'
Protein context (NP_000121.2, residues 2210-2224): QSIALRLELF[Gly2220Arg]CDIY